The following is an entry in ClinVar:

NM_145331.3(MAP3K7):c.1165A>G (p.Ser389Gly)

Gene: MAP3K7 (mitogen-activated protein kinase kinase kinase 7; minus strand). Cytogenetic location: 6q15.
Variant type: single nucleotide variant.
Coding change: c.1165A>G on transcript NM_145331.3 (MANE Select); coding-DNA position 1165, A replaced by G.
Protein change: p.Ser389Gly; replaces serine 389 with glycine.
Molecular consequence: missense variant.
Genome position (GRCh38, 1-based): chr6:90,547,303, T>C on the plus strand (A>G on the coding strand, the complement: MAP3K7 is on the minus strand). VCF-style: chr6-90547303-T-C. GRCh37 (hg19) VCF-style: chr6-91257022-T-C.
Other names: c.1165A>G, p.Ser389Gly (NM_003188.4, NM_145332.3, NM_145333.3); c.1165A>G (NM_145331.1); short protein forms S389G.
Identifiers: ClinVar variation 1940658 (VCV001940658.13), dbSNP rs759545618, ClinGen allele CA3928454.

ClinVar aggregate classification (germline): Conflicting classifications of pathogenicity. Review status: criteria provided, conflicting classifications (1 of 4 stars). 3 submissions from 3 submitters: Uncertain significance (2); Likely benign (1). Last evaluated 2025-08-20.

Conditions:
Inborn genetic diseases. Identifiers: MedGen C0950123, MeSH D030342.

Allele frequency attached by ClinVar (database versions not stated): gnomAD 0.00001; gnomAD exomes 0.00001.
gnomAD v4.1: 17 of 1,613,116 alleles (0.0011%); highest among the groups gnomAD compares: Admixed American, 0.005%; no homozygotes.

Submissions (3):

Labcorp Genetics (formerly Invitae), Labcorp
Classification: Uncertain significance. Last evaluated: 2025-08-20. Review status: criteria provided, single submitter. Criteria: Invitae Variant Classification Sherloc (09022015). Collection method: clinical testing. Allele origin: germline.
Comment: This sequence change replaces serine, which is neutral and polar, with glycine, which is neutral and non-polar, at codon 389 of the MAP3K7 protein (p.Ser389Gly). This variant is present in population databases (rs759545618, gnomAD 0.009%). This variant has not been reported in the literature in individuals affected with MAP3K7-related conditions. ClinVar contains an entry for this variant (Variation ID: 1940658). An algorithm developed to predict the effect of missense changes on protein structure and function (PolyPhen-2) suggests that this variant is likely to be disruptive. In summary, the available evidence is currently insufficient to determine the role of this variant in disease. Therefore, it has been classified as a Variant of Uncertain Significance.

CeGaT Center for Human Genetics Tuebingen
Classification: Likely benign. Last evaluated: 2025-04-01. Review status: criteria provided, single submitter. Criteria: CeGaT Center For Human Genetics Tuebingen Variant Classification Criteria Version 2. Collection method: clinical testing. Allele origin: germline. Affected: yes. Observed: 1 variant allele.
Comment: MAP3K7: BS1

Ambry Genetics
Classification: Uncertain significance for Inborn genetic diseases. Last evaluated: 2025-01-08. Review status: criteria provided, single submitter. Criteria: Ambry Variant Classification Scheme 2023. Collection method: clinical testing. Allele origin: germline.